The following is an entry in ClinVar:

NM_182961.4(SYNE1):c.2684C>G (p.Thr895Arg)

Gene: SYNE1 (spectrin repeat containing nuclear envelope protein 1; minus strand). Cytogenetic location: 6q25.2.
Variant type: single nucleotide variant.
Coding change: c.2684C>G on transcript NM_182961.4 (MANE Select); coding-DNA position 2684, C replaced by G.
Protein change: p.Thr895Arg; replaces threonine 895 with arginine.
Molecular consequence: missense variant.
Genome position (GRCh38, 1-based): chr6:152,455,929, G>C on the plus strand (C>G on the coding strand, the complement: SYNE1 is on the minus strand). VCF-style: chr6-152455929-G-C. GRCh37 (hg19) VCF-style: chr6-152777064-G-C.
Other names: c.2705C>G, p.Thr902Arg (NM_033071.5); short protein forms T895R, T902R.
Identifiers: ClinVar variation 1388149 (VCV001388149.7), dbSNP rs373633207, ClinGen allele CA4059068.

ClinVar aggregate classification (germline): Uncertain significance (1 of 4 stars; one submission).

Conditions:
Emery-Dreifuss muscular dystrophy 4, autosomal dominant (EDMD4). Also called: EMERY-DREIFUSS MUSCULAR DYSTROPHY 4 WITH VARIABLE FEATURES. Identifiers: Orphanet 261, MedGen C2751807, MONDO:0013071, OMIM 612998.
Autosomal recessive ataxia, Beauce type. Also called: SYNE1-Related Autosomal Recessive Cerebellar Ataxia; Spinocerebellar ataxia, autosomal recessive 8; ATAXIA, RECESSIVE, OF BEAUCE; SYNE1 Deficiency. Identifiers: Orphanet 88644, MedGen C1853116, MONDO:0012549, OMIM 610743.

Allele frequency attached by ClinVar (database versions not stated): 1000 Genomes Project 30x 0.00016; 1000 Genomes Project 0.00020.
gnomAD v4.1: 23 of 1,614,028 alleles (0.0014%); highest among the groups gnomAD compares: African/African-American, 0.02%; no homozygotes.

Submission:

Labcorp Genetics (formerly Invitae), Labcorp
Classification: Uncertain significance for Emery-Dreifuss muscular dystrophy 4, autosomal dominant; Autosomal recessive ataxia, Beauce type. Last evaluated: 2024-10-17. Review status: criteria provided, single submitter. Criteria: Invitae Variant Classification Sherloc (09022015). Collection method: clinical testing. Allele origin: germline.
Comment: This sequence change replaces threonine, which is neutral and polar, with arginine, which is basic and polar, at codon 902 of the SYNE1 protein (p.Thr902Arg). This variant is present in population databases (rs373633207, gnomAD 0.02%). This variant has not been reported in the literature in individuals affected with SYNE1-related conditions. ClinVar contains an entry for this variant (Variation ID: 1388149). An algorithm developed to predict the effect of missense changes on protein structure and function (PolyPhen-2) suggests that this variant is likely to be tolerated. In summary, the available evidence is currently insufficient to determine the role of this variant in disease. Therefore, it has been classified as a Variant of Uncertain Significance.